The following is an entry in ClinVar:

NM_025215.6(PUS1):c.1A>G (p.Met1Val)

Gene: PUS1 (pseudouridine synthase 1; plus strand). Cytogenetic location: 12q24.33.
Variant type: single nucleotide variant.
Coding change: c.1A>G on transcript NM_025215.6 (MANE Select); coding-DNA position 1, A replaced by G.
Protein change: p.Met1Val; changes the start codon (methionine 1).
Molecular consequence: missense variant, initiator codon variant. On other transcripts: intron variant (2).
Genome position (GRCh38, 1-based): chr12:131,929,723, A>G. VCF-style: chr12-131929723-A-G. GRCh37 (hg19) VCF-style: chr12-132414268-A-G.
Other names: c.-10-184A>G (NM_001002019.3, NM_001002020.3); short protein forms M1V.
Identifiers: ClinVar variation 2146777 (VCV002146777.4), dbSNP rs761456442, ClinGen allele CA6883964.

ClinVar aggregate classification (germline): Conflicting classifications of pathogenicity. Review status: criteria provided, conflicting classifications (1 of 4 stars). 3 submissions from 3 submitters: Likely pathogenic (1); Uncertain significance (2). Last evaluated 2026-06-28.

Conditions:
Myopathy, lactic acidosis, and sideroblastic anemia 1 (MLASA1). Identifiers: Orphanet 2598, MedGen C4551958, MONDO:0024553, OMIM 600462.

Submissions (3):

Myriad Genetics, Inc.
Classification: Uncertain significance for Myopathy, lactic acidosis, and sideroblastic anemia 1. Last evaluated: 2026-06-28. Review status: criteria provided, single submitter. Criteria: Myriad Autosomal Dominant, Autosomal Recessive and X-Linked Classification Criteria (2023). Collection method: clinical testing. Allele origin: unknown.
Comment: NM_025215.5(PUS1):c.1A>G(M1?) is an initiation codon variant classified as a variant of uncertain significance in the context of myopathy, lactic acidosis, and sideroblastic anemia 1. M1? has not been observed in cases with relevant disease. Relevant functional assessments of this variant are not available in the literature. M1? has been observed in referenced population frequency databases. In summary, there is insufficient evidence to classify NM_025215.5(PUS1):c.1A>G(M1?) as pathogenic or benign. Please note: this variant was assessed in the context of healthy population screening.

Fulgent Genetics
Classification: Likely pathogenic for Myopathy, lactic acidosis, and sideroblastic anemia 1. Last evaluated: 2024-01-10. Review status: criteria provided, single submitter. Criteria: ACMG Guidelines, 2015. Collection method: clinical testing. Allele origin: germline.

Labcorp Genetics (formerly Invitae), Labcorp
Classification: Uncertain significance. Last evaluated: 2022-09-01. Review status: criteria provided, single submitter. Criteria: Invitae Variant Classification Sherloc (09022015). Collection method: clinical testing. Allele origin: germline.
Comment: This sequence change affects the initiator methionine of the PUS1 mRNA. The next in-frame methionine is located at codon 29. This variant is present in population databases (rs761456442, gnomAD 0.008%). This variant has not been reported in the literature in individuals affected with PUS1-related conditions. Experimental studies and prediction algorithms are not available or were not evaluated, and the functional significance of this variant is currently unknown. In summary, the available evidence is currently insufficient to determine the role of this variant in disease. Therefore, it has been classified as a Variant of Uncertain Significance.